The following is an entry in ClinVar:

ClinVar aggregate classification (germline): Uncertain significance (1 of 4 stars; one submission).

gnomAD v4.1: 2 of 1,614,164 alleles (0.00012%); highest among the groups gnomAD compares: Non-Finnish European, 0.00017%; no homozygotes.

Submission:

Ambry Genetics
Classification: Uncertain significance. Last evaluated: 2024-09-21. Review status: criteria provided, single submitter. Criteria: Ambry Variant Classification Scheme 2023. Collection method: clinical testing. Allele origin: germline.
Comment: The p.D677E variant (also known as c.2031C>G), located in coding exon 17 of the RAD54L gene, results from a C to G substitution at nucleotide position 2031. The aspartic acid at codon 677 is replaced by glutamic acid, an amino acid with highly similar properties. This amino acid position is conserved. In addition, this alteration is predicted to be tolerated by in silico analysis. Based on the available evidence, the clinical significance of this variant remains unclear.

NM_003579.4(RAD54L):c.2031C>G (p.Asp677Glu)

Genes: LRRC41 (leucine rich repeat containing 41; minus strand), RAD54L (RAD54 like; plus strand). Cytogenetic location: 1p34.1.
Variant type: single nucleotide variant.
Coding change: c.2031C>G on transcript NM_003579.4 (MANE Select); coding-DNA position 2031, C replaced by G.
Protein change: p.Asp677Glu; replaces aspartic acid 677 with glutamic acid.
Molecular consequence: missense variant. On other transcripts: 3 prime UTR variant (1).
Genome position (GRCh38, 1-based): chr1:46,277,978, C>G. VCF-style: chr1-46277978-C-G. GRCh37 (hg19) VCF-style: chr1-46743650-C-G.
Other names: c.*887G>C (NM_006369.5); c.2031C>G, p.Asp677Glu (NM_001142548.2); c.1491C>G, p.Asp497Glu (NM_001370766.1); short protein forms D497E, D677E.
Identifiers: ClinVar variation 3429816 (VCV003429816.1).